The following is an entry in ClinVar:

NM_152383.5(DIS3L2):c.383G>A (p.Ser128Asn)

Gene: DIS3L2 (DIS3 like 3'-5' exoribonuclease 2; plus strand). Cytogenetic location: 2q37.1.
Variant type: single nucleotide variant.
Coding change: c.383G>A on transcript NM_152383.5 (MANE Select); coding-DNA position 383, G replaced by A.
Protein change: p.Ser128Asn; replaces serine 128 with asparagine.
Molecular consequence: missense variant. On other transcripts: non-coding transcript variant (2).
Genome position (GRCh38, 1-based): chr2:232,087,503, G>A. VCF-style: chr2-232087503-G-A. GRCh37 (hg19) VCF-style: chr2-232952213-G-A.
Other names: c.383G>A, p.Ser128Asn (NM_001257281.2, NM_001257282.2); short protein forms S128N.
Identifiers: ClinVar variation 658108 (VCV000658108.6), dbSNP rs371686606, ClinGen allele CA67506782.

ClinVar aggregate classification (germline): Uncertain significance (1 of 4 stars; one submission).

Conditions:
Perlman syndrome (PRLMNS). Identifiers: Orphanet 2849, MedGen C0796113, MONDO:0009965, OMIM 267000.

Allele frequency attached by ClinVar (database versions not stated): gnomAD exomes below 0.00001; TOPMed below 0.00001; ESP Exome Variant Server 0.00008.
gnomAD v4.1: 1 of 1,612,734 alleles (0.000062%); highest among the groups gnomAD compares: Non-Finnish European, 0.000085%; no homozygotes.

Submission:

Labcorp Genetics (formerly Invitae), Labcorp
Classification: Uncertain significance for Perlman syndrome. Last evaluated: 2024-04-10. Review status: criteria provided, single submitter. Criteria: Invitae Variant Classification Sherloc (09022015). Collection method: clinical testing. Allele origin: germline.
Comment: This sequence change replaces serine, which is neutral and polar, with asparagine, which is neutral and polar, at codon 128 of the DIS3L2 protein (p.Ser128Asn). This variant is not present in population databases (gnomAD no frequency). This variant has not been reported in the literature in individuals affected with DIS3L2-related conditions. ClinVar contains an entry for this variant (Variation ID: 658108). Algorithms developed to predict the effect of missense changes on protein structure and function output the following: SIFT: "Not Available"; PolyPhen-2: "Benign"; Align-GVGD: "Not Available". The asparagine amino acid residue is found in multiple mammalian species, which suggests that this missense change does not adversely affect protein function. In summary, the available evidence is currently insufficient to determine the role of this variant in disease. Therefore, it has been classified as a Variant of Uncertain Significance.